The following is an entry in ClinVar:

NM_004656.4(BAP1):c.542T>C (p.Phe181Ser)

Gene: BAP1 (BRCA1 associated deubiquitinase 1; minus strand). Cytogenetic location: 3p21.1.
Variant type: single nucleotide variant.
Coding change: c.542T>C on transcript NM_004656.4 (MANE Select); coding-DNA position 542, T replaced by C.
Protein change: p.Phe181Ser; replaces phenylalanine 181 with serine.
Molecular consequence: missense variant.
Genome position (GRCh38, 1-based): chr3:52,407,212, A>G on the plus strand (T>C on the coding strand, the complement: BAP1 is on the minus strand). VCF-style: chr3-52407212-A-G. GRCh37 (hg19) VCF-style: chr3-52441228-A-G.
Other names: c.542T>C, p.Phe181Ser (NM_001410772.1); short protein forms F181S.
Identifiers: ClinVar variation 4826569 (VCV004826569.1).

ClinVar aggregate classification (germline): Uncertain significance (1 of 4 stars; one submission).

Conditions:
Hereditary cancer-predisposing syndrome. Also called: Neoplastic Syndromes, Hereditary; Tumor predisposition; Hereditary Cancer Syndrome; Hereditary neoplastic syndrome. Identifiers: Orphanet 140162, MedGen C0027672, MeSH D009386, MONDO:0015356.

Submission:

Ambry Genetics
Classification: Uncertain significance for Hereditary cancer-predisposing syndrome. Last evaluated: 2026-03-06. Review status: criteria provided, single submitter. Criteria: Ambry Variant Classification Scheme 2023. Collection method: clinical testing. Allele origin: germline.
Comment: The p.F181S variant (also known as c.542T>C), located in coding exon 7 of the BAP1 gene, results from a T to C substitution at nucleotide position 542. The phenylalanine at codon 181 is replaced by serine, an amino acid with highly dissimilar properties. This variant was non-functional in a high throughput genome editing haploid cell survival functional assay (Waters AJ et al. Nat Genet, 2024 Jul;56:1434-1445). This amino acid position is highly conserved in available vertebrate species. In addition, this alteration is predicted to be deleterious by in silico analysis. Based on the available evidence, the clinical significance of this variant remains unclear.

Literature cited by the submitters: PubMed 38969833.